The following is an entry in ClinVar:

NM_152703.5(SAMD9L):c.1688C>T (p.Thr563Ile)

Gene: SAMD9L (sterile alpha motif domain containing 9 like; minus strand). Cytogenetic location: 7q21.2.
Variant type: single nucleotide variant.
Coding change: c.1688C>T on transcript NM_152703.5 (MANE Select); coding-DNA position 1688, C replaced by T.
Protein change: p.Thr563Ile; replaces threonine 563 with isoleucine.
Molecular consequence: missense variant.
Genome position (GRCh38, 1-based): chr7:93,134,284, G>A on the plus strand (C>T on the coding strand, the complement: SAMD9L is on the minus strand). VCF-style: chr7-93134284-G-A. GRCh37 (hg19) VCF-style: chr7-92763597-G-A.
Other names: c.1688C>T, p.Thr563Ile (NM_001303496.3, NM_001303497.3, NM_001303498.3 and 5 more transcripts); c.1688C>T (NM_152703.2); short protein forms T563I.
Identifiers: ClinVar variation 1963113 (VCV001963113.6), dbSNP rs368304601, ClinGen allele CA161962226.

ClinVar aggregate classification (germline): Uncertain significance. Review status: criteria provided, multiple submitters, no conflicts (2 of 4 stars). 2 submissions from 2 submitters: Uncertain significance (2). Last evaluated 2024-12-27.

Conditions:
Inborn genetic diseases. Identifiers: MedGen C0950123, MeSH D030342.

Allele frequency attached by ClinVar (database versions not stated): gnomAD 0.00001; gnomAD exomes 0.00001.
gnomAD v4.1: 8 of 1,613,334 alleles (0.0005%); highest among the groups gnomAD compares: Non-Finnish European, 0.00017%; no homozygotes.

Submissions (2):

Ambry Genetics
Classification: Uncertain significance for Inborn genetic diseases. Last evaluated: 2024-12-27. Review status: criteria provided, single submitter. Criteria: Ambry Variant Classification Scheme 2023. Collection method: clinical testing. Allele origin: germline.
Comment: The p.T563I variant (also known as c.1688C>T), located in coding exon 1 of the SAMD9L gene, results from a C to T substitution at nucleotide position 1688. The threonine at codon 563 is replaced by isoleucine, an amino acid with similar properties. This amino acid position is conserved. In addition, this alteration is predicted to be tolerated by in silico analysis. Based on the available evidence, the clinical significance of this variant remains unclear.

Labcorp Genetics (formerly Invitae), Labcorp
Classification: Uncertain significance. Last evaluated: 2022-06-09. Review status: criteria provided, single submitter. Criteria: Invitae Variant Classification Sherloc (09022015). Collection method: clinical testing. Allele origin: germline.
Comment: In summary, the available evidence is currently insufficient to determine the role of this variant in disease. Therefore, it has been classified as a Variant of Uncertain Significance. Algorithms developed to predict the effect of missense changes on protein structure and function are either unavailable or do not agree on the potential impact of this missense change (SIFT: "Not Available"; PolyPhen-2: "Probably Damaging"; Align-GVGD: "Not Available"). This variant has not been reported in the literature in individuals affected with SAMD9L-related conditions. This variant is present in population databases (no rsID available, gnomAD 0.01%). This sequence change replaces threonine, which is neutral and polar, with isoleucine, which is neutral and non-polar, at codon 563 of the SAMD9L protein (p.Thr563Ile).